The following is an entry in ClinVar:

ClinVar aggregate classification (germline): Conflicting classifications of pathogenicity. Review status: criteria provided, conflicting classifications (1 of 4 stars). 3 submissions from 3 submitters: Pathogenic (1); Likely pathogenic (1); Uncertain significance (1). Last evaluated 2020-04-05.

Conditions:
X-linked myopathy with postural muscle atrophy. Also called: FHL1-Related Emery-Dreifuss Muscular Dystrophy, X-Linked. Identifiers: Orphanet 178461, MedGen C2678055, MONDO:0010401, OMIM 300696.

Submissions (3):

Revvity Omics, Revvity
Classification: Likely pathogenic. Last evaluated: 2020-04-05. Review status: criteria provided, single submitter. Criteria: ACMG Guidelines, 2015. Collection method: clinical testing. Allele origin: germline.

Labcorp Genetics (formerly Invitae), Labcorp
Classification: Pathogenic for X-linked myopathy with postural muscle atrophy. Last evaluated: 2019-11-13. Review status: criteria provided, single submitter. Criteria: Invitae Variant Classification Sherloc (09022015). Collection method: clinical testing. Allele origin: germline.
Comment: For these reasons, this variant has been classified as Pathogenic. This variant disrupts the p.Trp122 amino acid residue in FHL1. Other variant(s) that disrupt this residue have been determined to be pathogenic (PMID: 18179901, 25274776). This suggests that this residue is clinically significant, and that variants that disrupt this residue are likely to be disease-causing. Algorithms developed to predict the effect of missense changes on protein structure and function (SIFT, PolyPhen-2, Align-GVGD) all suggest that this variant is likely to be disruptive, but these predictions have not been confirmed by published functional studies and their clinical significance is uncertain. This variant has been observed in individual(s) with clinical features of myofibrillar myopathy (PMID: 20633900). It has also been observed to segregate with disease in related individuals. ClinVar contains an entry for this variant (Variation ID: 497823). This variant is not present in population databases (ExAC no frequency). This sequence change replaces tryptophan with cysteine at codon 122 of the FHL1 protein (p.Trp122Cys). The tryptophan residue is highly conserved and there is a large physicochemical difference between tryptophan and cysteine.

Eurofins Ntd Llc (ga)
Classification: Uncertain significance. Last evaluated: 2017-01-12. Review status: criteria provided, single submitter. Criteria: EGL Classification Definitions 2015. Collection method: clinical testing. Allele origin: germline. Observed: 1 variant allele, 1 hemizygote.

Literature cited by the submitters: PubMed 18179901 (cited by Labcorp Genetics (formerly Invitae), Labcorp); PubMed 25274776 (cited by Labcorp Genetics (formerly Invitae), Labcorp); PubMed 20633900 (cited by Labcorp Genetics (formerly Invitae), Labcorp and Eurofins Ntd Llc (ga)).

NM_001159699.2(FHL1):c.414G>C (p.Trp138Cys)

Gene: FHL1 (four and a half LIM domains 1; plus strand). Cytogenetic location: Xq26.3.
Variant type: single nucleotide variant.
Coding change: c.414G>C on transcript NM_001159699.2 (MANE Select); coding-DNA position 414, G replaced by C.
Protein change: p.Trp138Cys; replaces tryptophan 138 with cysteine.
Molecular consequence: missense variant. On other transcripts: non-coding transcript variant (1).
Genome position (GRCh38, 1-based): chrX:136,207,826, G>C. VCF-style: chrX-136207826-G-C. GRCh37 (hg19) VCF-style: chrX-135289985-G-C.
Other names: c.366G>C, p.Trp122Cys (NM_001159700.2, NM_001159702.3, NM_001159703.2 and 9 more transcripts); c.453G>C, p.Trp151Cys (NM_001159701.2); c.414G>C, p.Trp138Cys (NM_001330659.2); short protein forms W122C, W138C, W151C.
Identifiers: ClinVar variation 497823 (VCV000497823.18), dbSNP rs1556639109, ClinGen allele CA414608358.
Genomic context (GRCh38, chrX:136,207,826, plus strand): 5'-GGCTATCCAATTGCTTCCCTCTGCAGGAGATCAAAACGTGGAGTACAAGGGGACCGTCTG[G>C]CACAAAGACTGCTTCACCTGTAGTAACTGCAAGCAAGTCATCGGGACTGGAAGCTTCTTC-3'
Protein context (NP_001153171.1, residues 128-148): DQNVEYKGTV[Trp138Cys]HKDCFTCSNC